The following is an entry in ClinVar:

ClinVar aggregate classification (germline): Uncertain significance. Review status: criteria provided, single submitter (1 of 4 stars). 2 submissions from 2 submitters: Uncertain significance (1). 1 of the submissions does not count toward it. Last evaluated 2022-07-30.

Conditions:
Zellweger spectrum disorders (ZS). Also called: Zellweger Spectrum Disorder (ZSD); Zellweger Spectrum Disorder; Zellweger Spectrum; Zellweger syndrome. Identifiers: Orphanet 912, MedGen C0043459, MONDO:0019609.
Peroxisome biogenesis disorder. Identifiers: Orphanet 79189, MedGen C1832200, MONDO:0019234. Disease mechanism: loss of function.

Allele frequency attached by ClinVar (database versions not stated): ExAC 0.00001; gnomAD exomes 0.00001 and 0.00002; ESP Exome Variant Server 0.00008.
gnomAD v4.1: 6 of 1,614,208 alleles (0.00037%); highest among the groups gnomAD compares: Admixed American, 0.01%; no homozygotes.

Submissions (2):

Labcorp Genetics (formerly Invitae), Labcorp
Classification: Uncertain significance for Peroxisome biogenesis disorder. Last evaluated: 2022-07-30. Review status: criteria provided, single submitter. Criteria: Invitae Variant Classification Sherloc (09022015). Collection method: clinical testing. Allele origin: germline.
Comment: This sequence change replaces alanine, which is neutral and non-polar, with threonine, which is neutral and polar, at codon 278 of the PEX6 protein (p.Ala278Thr). This variant is present in population databases (rs370456987, gnomAD 0.01%). This variant has not been reported in the literature in individuals affected with PEX6-related conditions. ClinVar contains an entry for this variant (Variation ID: 1011435). Algorithms developed to predict the effect of missense changes on protein structure and function (SIFT, PolyPhen-2, Align-GVGD) all suggest that this variant is likely to be tolerated. In summary, the available evidence is currently insufficient to determine the role of this variant in disease. Therefore, it has been classified as a Variant of Uncertain Significance.

Natera, Inc.
Classification: Uncertain significance for Zellweger syndrome. Last evaluated: 2021-07-28. Review status: no assertion criteria provided. Collection method: clinical testing. Allele origin: germline. Not counted in ClinVar's aggregate classification.

NM_000287.4(PEX6):c.832G>A (p.Ala278Thr)

Gene: PEX6 (peroxisomal biogenesis factor 6; minus strand). Cytogenetic location: 6p21.1.
Variant type: single nucleotide variant.
Coding change: c.832G>A on transcript NM_000287.4 (MANE Select); coding-DNA position 832, G replaced by A.
Protein change: p.Ala278Thr; replaces alanine 278 with threonine.
Molecular consequence: missense variant. On other transcripts: non-coding transcript variant (1), intron variant (1).
Genome position (GRCh38, 1-based): chr6:42,978,319, C>T on the plus strand (G>A on the coding strand, the complement: PEX6 is on the minus strand). VCF-style: chr6-42978319-C-T. GRCh37 (hg19) VCF-style: chr6-42946057-C-T.
Other names: c.618+214G>A (NM_001316313.2); short protein forms A278T.
Identifiers: ClinVar variation 1011435 (VCV001011435.3), dbSNP rs370456987, ClinGen allele CA3811556.